The following is an entry in ClinVar:

ClinVar aggregate classification (germline): Uncertain significance. Review status: criteria provided, multiple submitters, no conflicts (2 of 4 stars). 2 submissions from 2 submitters: Uncertain significance (2). Last evaluated 2025-05-05.

Conditions:
Inborn genetic diseases. Identifiers: MedGen C0950123, MeSH D030342.

Allele frequency attached by ClinVar (database versions not stated): gnomAD exomes below 0.00001; gnomAD 0.00001; TOPMed 0.00005.
gnomAD v4.1: 4 of 1,614,074 alleles (0.00025%); highest among the groups gnomAD compares: Non-Finnish European, 0.00025%; no homozygotes.

Submissions (2):

Ambry Genetics
Classification: Uncertain significance for Inborn genetic diseases. Last evaluated: 2025-05-05. Review status: criteria provided, single submitter. Criteria: Ambry Variant Classification Scheme 2023. Collection method: clinical testing. Allele origin: germline.

Labcorp Genetics (formerly Invitae), Labcorp
Classification: Uncertain significance. Last evaluated: 2024-04-22. Review status: criteria provided, single submitter. Criteria: Invitae Variant Classification Sherloc (09022015). Collection method: clinical testing. Allele origin: germline.
Comment: This sequence change replaces glutamic acid, which is acidic and polar, with glycine, which is neutral and non-polar, at codon 953 of the DSG1 protein (p.Glu953Gly). This variant is not present in population databases (gnomAD no frequency). This variant has not been reported in the literature in individuals affected with DSG1-related conditions. An algorithm developed to predict the effect of missense changes on protein structure and function (PolyPhen-2) suggests that this variant is likely to be disruptive. In summary, the available evidence is currently insufficient to determine the role of this variant in disease. Therefore, it has been classified as a Variant of Uncertain Significance.

NM_001942.4(DSG1):c.2858A>G (p.Glu953Gly)

Genes: DSG1 (desmoglein 1; plus strand), DSG1-AS1 (DSG1 antisense RNA 1; minus strand). Cytogenetic location: 18q12.1.
Variant type: single nucleotide variant.
Coding change: c.2858A>G on transcript NM_001942.4 (MANE Select); coding-DNA position 2858, A replaced by G.
Protein change: p.Glu953Gly; replaces glutamic acid 953 with glycine.
Molecular consequence: missense variant.
Genome position (GRCh38, 1-based): chr18:31,355,054, A>G. VCF-style: chr18-31355054-A-G. GRCh37 (hg19) VCF-style: chr18-28935017-A-G.
Other names: c.2858A>G (NM_001942.2); short protein forms E953G.
Identifiers: ClinVar variation 2781078 (VCV002781078.4), dbSNP rs1423345044, ClinGen allele CA402124851.